The following is an entry in ClinVar:

ClinVar aggregate classification (germline): Pathogenic (1 of 4 stars; one submission).

Submission:

GeneDx
Classification: Pathogenic. Last evaluated: 2017-07-18. Review status: criteria provided, single submitter. Criteria: GeneDx Variant Classification (06012015). Collection method: clinical testing. Allele origin: germline. Affected: yes.
Comment: The c.2209-42_2229del63 variant in the L1CAM gene has not been previously reported to our knowledge. The variant is not observed in large population cohorts (Lek et al., 2016; 1000 Genomes Consortium et al., 2015; Exome Variant Server). The c.2209-42_2229del63 variant destroys the canonical splice acceptor site in intron 17. It is predicted to cause abnormal gene splicing, either leading to an abnormal message that is subject to nonsense-mediated mRNA decay, or to an abnormal protein product if the message is used for protein translation; however, in the absence of RNA/functional studies, the actual effect of this sequence change in this individual is unknown. In summary, we consider this variant to be pathogenic.

NM_001278116.2(L1CAM):c.2209-42_2229del

Gene: L1CAM (L1 cell adhesion molecule; minus strand). Cytogenetic location: Xq28.
Variant type: Deletion.
Coding change: c.2209-42_2229del on transcript NM_001278116.2 (MANE Select); 42 bases into the intron before coding-DNA position 2209 through coding-DNA position 2229, 63 bases deleted.
Molecular consequence: splice acceptor variant.
Genome position (GRCh38, 1-based): chrX:153,866,851-153,866,913, 63 bases deleted. GRCh37 (hg19): chrX:153,132,310-153,132,372.
Other names: c.2209-42_2229delTGTTCTTGGCCAACCAACTCCTCTTCTGCTGGCCTCCTCCAGCCGCTCCGGTGGATGGACTGG (NM_000425.3); c.2194-42_2214del (NM_001143963.2); c.2209-42_2229del (NM_024003.3, NM_000425.5).
Identifiers: ClinVar variation 449707 (VCV000449707.1), dbSNP rs1557091079, ClinGen allele CA658659078.